The following is an entry in ClinVar:

NM_139284.3(LGI4):c.493C>T (p.Arg165Cys)

Gene: LGI4 (leucine rich repeat LGI family member 4; minus strand). Cytogenetic location: 19q13.12.
Variant type: single nucleotide variant.
Coding change: c.493C>T on transcript NM_139284.3 (MANE Select); coding-DNA position 493, C replaced by T.
Protein change: p.Arg165Cys; replaces arginine 165 with cysteine.
Molecular consequence: missense variant.
Genome position (GRCh38, 1-based): chr19:35,131,521, G>A on the plus strand (C>T on the coding strand, the complement: LGI4 is on the minus strand). VCF-style: chr19-35131521-G-A. GRCh37 (hg19) VCF-style: chr19-35622425-G-A.
Other names: short protein forms R165C.
Identifiers: ClinVar variation 1032441 (VCV001032441.2), dbSNP rs1207563479, ClinGen allele CA405313312.

ClinVar aggregate classification (germline): Uncertain significance. Review status: criteria provided, multiple submitters, no conflicts (2 of 4 stars). 2 submissions from 2 submitters: Uncertain significance (2). Last evaluated 2024-02-26.

Conditions:
Arthrogryposis multiplex congenita 1, neurogenic, with myelin defect. Also called: Arthrogryposis multiplex congenita, neurogenic, with myelin defect. Identifiers: MedGen C4479539, MONDO:0060486, OMIM 617468.

Allele frequency attached by ClinVar (database versions not stated): gnomAD exomes 0.00003; gnomAD 0.00005 and 0.00006; TOPMed 0.00005.
gnomAD v4.1: 74 of 1,551,108 alleles (0.0048%); highest among the groups gnomAD compares: Middle Eastern, 0.017%; no homozygotes.

Submissions (2):

Blueprint Genetics
Classification: Uncertain significance. Last evaluated: 2024-02-26. Review status: criteria provided, single submitter. Criteria: ACMG Guidelines, 2015. Collection method: clinical testing. Allele origin: germline.

Baylor Genetics
Classification: Uncertain significance for Arthrogryposis multiplex congenita 1, neurogenic, with myelin defect. Last evaluated: 2018-10-16. Review status: criteria provided, single submitter. Criteria: ACMG Guidelines, 2015. Collection method: clinical testing. Allele origin: paternal. Affected: yes.
Comment: This variant was determined to be of uncertain significance according to ACMG Guidelines, 2015 [PMID:25741868].